The following is an entry in ClinVar:

NM_004380.3(CREBBP):c.1190A>G (p.His397Arg)

Gene: CREBBP (CREB binding lysine acetyltransferase; minus strand). Cytogenetic location: 16p13.3.
Variant type: single nucleotide variant.
Coding change: c.1190A>G on transcript NM_004380.3 (MANE Select); coding-DNA position 1190, A replaced by G.
Protein change: p.His397Arg; replaces histidine 397 with arginine.
Molecular consequence: missense variant.
Genome position (GRCh38, 1-based): chr16:3,793,412, T>C on the plus strand (A>G on the coding strand, the complement: CREBBP is on the minus strand). VCF-style: chr16-3793412-T-C. GRCh37 (hg19) VCF-style: chr16-3843413-T-C.
Other names: c.1190A>G (NM_004380.2); c.1190A>G, p.His397Arg (NM_001079846.1); short protein forms H397R.
Identifiers: ClinVar variation 4291706 (VCV004291706.2).
Genomic context (GRCh38, chr16:3,793,412, plus strand): 5'-CTCTACCACTAGGAGTTCCAAAAACAGCACTTACCTTGGCAGGCTTTCCCAGCCTGACAA[T>C]GCGTCATGTGATTCAAAACGTTTTTCATGGTTCGACAATGCGGGAGCGAGCAGGCCCGAA-3'
Protein context (NP_004371.2, residues 387-407): TMKNVLNHMT[His397Arg]CQAGKACQVA

ClinVar aggregate classification (germline): Uncertain significance. Review status: criteria provided, multiple submitters, no conflicts (2 of 4 stars). 2 submissions from 2 submitters: Uncertain significance (2). Last evaluated 2026-03-13.

Conditions:
Rubinstein-Taybi syndrome due to CREBBP mutations (RSTS1). Also called: BROAD THUMBS AND GREAT TOES, CHARACTERISTIC FACIES, AND IMPAIRED INTELLECTUAL DEVELOPMENT; RUBINSTEIN-TAYBI SYNDROME 1, INCOMPLETE; BROAD THUMB-HALLUX SYNDROME; RUBINSTEIN SYNDROME; CREBBP-Related Rubinstein-Taybi Syndrome; Rubinstein-Taybi syndrome 1. Identifiers: Orphanet 353277, Orphanet 783, MedGen C4551859, MONDO:0008393, OMIM 180849.

Submissions (2):

GeneDx
Classification: Uncertain significance. Last evaluated: 2026-03-13. Review status: criteria provided, single submitter. Criteria: GeneDx Variant Classification Process June 2021. Collection method: clinical testing. Allele origin: germline.
Comment: Not observed at significant frequency in large population cohorts (gnomAD); In silico analysis supports that this missense variant has a deleterious effect on protein structure/function; Has not been previously published as pathogenic or benign to our knowledge

3billion
Classification: Uncertain significance for Rubinstein-Taybi syndrome due to CREBBP mutations. Last evaluated: 2025-01-23. Review status: criteria provided, single submitter. Criteria: ACMG Guidelines, 2015. Collection method: clinical testing. Allele origin: germline. Affected: yes.
Comment: The variant is not observed in the gnomAD v4.1.0 dataset. Predicted Consequence/Location: Missense variant In silico tool predictions suggest damaging effect of the variant on gene or gene product [REVEL: 0.74 (>=0.6, sensitivity 0.68 and specificity 0.92); 3Cnet: 0.72 (>=0.6, sensitivity 0.72 and precision 0.9)]. Therefore, this variant is classified as VUS according to the recommendation of ACMG/AMP guideline.